The following is an entry in ClinVar:

NM_001184.4(ATR):c.3674T>A (p.Ile1225Asn)

Gene: ATR (ATR checkpoint kinase; minus strand). Cytogenetic location: 3q23.
Variant type: single nucleotide variant.
Coding change: c.3674T>A on transcript NM_001184.4 (MANE Select); coding-DNA position 3674, T replaced by A.
Protein change: p.Ile1225Asn; replaces isoleucine 1225 with asparagine.
Molecular consequence: missense variant.
Genome position (GRCh38, 1-based): chr3:142,538,533, A>T on the plus strand (T>A on the coding strand, the complement: ATR is on the minus strand). VCF-style: chr3-142538533-A-T. GRCh37 (hg19) VCF-style: chr3-142257375-A-T.
Other names: c.3482T>A, p.Ile1161Asn (NM_001354579.2); short protein forms I1161N, I1225N.
Identifiers: ClinVar variation 3221135 (VCV003221135.1), dbSNP rs2108432413, ClinGen allele CA354807473.

ClinVar aggregate classification (germline): Uncertain significance (1 of 4 stars; one submission).

Conditions:
Inborn genetic diseases. Identifiers: MedGen C0950123, MeSH D030342.

Submission:

Ambry Genetics
Classification: Uncertain significance for Inborn genetic diseases. Last evaluated: 2024-02-13. Review status: criteria provided, single submitter. Criteria: Ambry Variant Classification Scheme 2023. Collection method: clinical testing. Allele origin: germline.
Comment: The p.I1225N variant (also known as c.3674T>A), located in coding exon 19 of the ATR gene, results from a T to A substitution at nucleotide position 3674. The isoleucine at codon 1225 is replaced by asparagine, an amino acid with dissimilar properties. This amino acid position is conserved. In addition, this alteration is predicted to be tolerated by in silico analysis. Based on the available evidence, the clinical significance of this alteration remains unclear.